The following is an entry in ClinVar:

NM_012281.3(KCND2):c.149C>T (p.Thr50Ile)

Gene: KCND2 (potassium voltage-gated channel subfamily D member 2; plus strand). Cytogenetic location: 7q31.31.
Variant type: single nucleotide variant.
Coding change: c.149C>T on transcript NM_012281.3 (MANE Select); coding-DNA position 149, C replaced by T.
Protein change: p.Thr50Ile; replaces threonine 50 with isoleucine.
Molecular consequence: missense variant.
Genome position (GRCh38, 1-based): chr7:120,274,781, C>T. VCF-style: chr7-120274781-C-T. GRCh37 (hg19) VCF-style: chr7-119914835-C-T.
Other names: short protein forms T50I.
Identifiers: ClinVar variation 2050770 (VCV002050770.4), dbSNP rs1799147394, ClinGen allele CA369130937.

ClinVar aggregate classification (germline): Uncertain significance (1 of 4 stars; one submission).

Conditions:
Early Myoclonic Encephalopathy. Identifiers: MedGen C0270855.

Allele frequency attached by ClinVar (database versions not stated): TOPMed below 0.00001; gnomAD exomes 0.00001.

Submission:

Labcorp Genetics (formerly Invitae), Labcorp
Classification: Uncertain significance for Early Myoclonic Encephalopathy. Last evaluated: 2021-12-24. Review status: criteria provided, single submitter. Criteria: Invitae Variant Classification Sherloc (09022015). Collection method: clinical testing. Allele origin: germline.
Comment: This sequence change replaces threonine, which is neutral and polar, with isoleucine, which is neutral and non-polar, at codon 50 of the KCND2 protein (p.Thr50Ile). This variant is not present in population databases (gnomAD no frequency). This variant has not been reported in the literature in individuals affected with KCND2-related conditions. Advanced modeling of protein sequence and biophysical properties (such as structural, functional, and spatial information, amino acid conservation, physicochemical variation, residue mobility, and thermodynamic stability) performed at Invitae indicates that this missense variant is not expected to disrupt KCND2 protein function. In summary, the available evidence is currently insufficient to determine the role of this variant in disease. Therefore, it has been classified as a Variant of Uncertain Significance.